The following is an entry in ClinVar:

ClinVar aggregate classification (germline): Likely pathogenic (0 of 4 stars; one submission).

Conditions:
Diamond-Blackfan anemia 8 (DBA8). Also called: RPS7-Related Diamond-Blackfan Anemia. Identifiers: Orphanet 124, MedGen C2675511, MONDO:0012939, OMIM 612563.

Submission:

Research Group Niklas Dahl, Uppsala University
Classification: Likely pathogenic for Diamond-Blackfan anemia 8. Last evaluated: 2019-09-27. Review status: no assertion criteria provided. Collection method: research. Allele origin: de novo, maternal. Inheritance: Autosomal dominant inheritance. Affected: yes. Observed: 2 heterozygotes. Clinical features observed: Abnormality of blood and blood-forming tissues (HP:0001871).
Comment: We conducted extensive clinical examination including initial hematological examination. In silico predications showed the deleterious effect of the splice site variant, which could lead to aberrant splicing. We performed in vitro splicing assays in human cervical cancer (HeLa) cells using RPS7 mini-genes derived from patient's genomic DNA. We detected aberrant splicing event and subsequent reduction in RPS7 gene expression in Hela cells transfected with mutant construct, suggesting non- sense mediated decay (NMD). Furthermore, investigation of RPS7 splicing and transcript expression level in patient's cells validated the results from mini-gene assays. Together, findings from current study indicate that RPS7 splice site mutation (c.508-3 T>G) could lead to aberrant splicing, NMD and subsequent dysfunctioning of ribosomal protein S7, which can lead to clinical symptoms of DBA.

NM_001011.4(RPS7):c.508-3T>G

Gene: RPS7 (ribosomal protein S7; plus strand). Cytogenetic location: 2p25.3.
Variant type: single nucleotide variant.
Coding change: c.508-3T>G on transcript NM_001011.4 (MANE Select); 3 bases into the intron before coding-DNA position 508, T replaced by G.
Molecular consequence: intron variant.
Genome position (GRCh38, 1-based): chr2:3,580,802, T>G. VCF-style: chr2-3580802-T-G. GRCh37 (hg19) VCF-style: chr2-3628392-T-G.
Identifiers: ClinVar variation 692152 (VCV000692152.3), dbSNP rs1572360944, ClinGen allele CA915943693.